The following is an entry in ClinVar:

ClinVar aggregate classification (germline): Pathogenic (1 of 4 stars; one submission).

Conditions:
Methylmalonic aciduria and homocystinuria type cblF. Also called: VITAMIN B12 LYSOSOMAL RELEASE DEFECT; VITAMIN B12 STORAGE DISEASE; COBALAMIN F DISEASE; COBALAMIN, DEFECT IN LYSOSOMAL RELEASE OF; METHYLMALONIC ACIDEMIA AND HOMOCYSTINURIA, cblF TYPE; METHYLMALONIC ACIDURIA DUE TO VITAMIN B12-RELEASE DEFECT. Identifiers: Orphanet 79284, MedGen C1848578, MONDO:0010183, OMIM 277380.

Submission:

Labcorp Genetics (formerly Invitae), Labcorp
Classification: Pathogenic for Methylmalonic aciduria and homocystinuria type cblF. Last evaluated: 2023-03-22. Review status: criteria provided, single submitter. Criteria: Invitae Variant Classification Sherloc (09022015). Collection method: clinical testing. Allele origin: germline.
Comment: This sequence change creates a premature translational stop signal (p.Asp83Thrfs*67) in the LMBRD1 gene. It is expected to result in an absent or disrupted protein product. Loss-of-function variants in LMBRD1 are known to be pathogenic (PMID: 19136951, 21303734). This variant is not present in population databases (gnomAD no frequency). This variant has not been reported in the literature in individuals affected with LMBRD1-related conditions. ClinVar contains an entry for this variant (Variation ID: 1963521). Algorithms developed to predict the effect of sequence changes on RNA splicing suggest that this variant may disrupt the consensus splice site. For these reasons, this variant has been classified as Pathogenic.

Literature cited by the submitters: PubMed 19136951; PubMed 21303734.

NC_000006.12:g.69780555del

Gene: LMBRD1 (LMBR1 domain containing 1; minus strand). Cytogenetic location: 6q13.
Variant type: Deletion.
Genome position: GRCh38 VCF-style: chr6-69780553-TC-T. GRCh37 (hg19) VCF-style: chr6-70490445-TC-T.
Identifiers: ClinVar variation 1963521 (VCV001963521.5), dbSNP rs2481466497, ClinGen allele CA2580075695.
Genomic context (GRCh38, chr6:69,780,553, plus strand): 5'-CTATAGTAACCGTATAATACAGTGTCCTCAATCTGTCTGCTGACATTAGCATTAGCCCAG[TC>T]CTAGGATAAAAGGAAACAATAGAAATATTAATGAAACACCCATTTGCCTAACAATTAAAA-3'